The following is an entry in ClinVar:

ClinVar aggregate classification (germline): Likely benign. Review status: criteria provided, single submitter (1 of 4 stars). 2 submissions from 2 submitters: Likely benign (1). 1 of the submissions does not count toward it. Last evaluated 2025-06-12.

Conditions:
FAT1-related disorder. Also called: FAT1-related condition.

Allele frequency attached by ClinVar (database versions not stated): gnomAD exomes 0.00009 and 0.00025; ExAC 0.00028; gnomAD 0.00098 and 0.00106; ESP Exome Variant Server 0.00108; TOPMed 0.00108; 1000 Genomes Project 0.00120; 1000 Genomes Project 30x 0.00141.
gnomAD v4.1: 278 of 1,614,020 alleles (0.017%); highest among the groups gnomAD compares: African/African-American, 0.35%; no homozygotes.

Submissions (2):

Labcorp Genetics (formerly Invitae), Labcorp
Classification: Likely benign. Last evaluated: 2025-06-12. Review status: criteria provided, single submitter. Criteria: Invitae Variant Classification Sherloc (09022015). Collection method: clinical testing. Allele origin: germline.

PreventionGenetics, part of Exact Sciences
Classification: Likely benign for FAT1-related condition. Last evaluated: 2022-08-19. Review status: no assertion criteria provided. Collection method: clinical testing. Allele origin: germline. Not counted in ClinVar's aggregate classification.
Comment: This variant is classified as likely benign based on ACMG/AMP sequence variant interpretation guidelines (Richards et al. 2015 PMID: 25741868, with internal and published modifications).

NM_005245.4(FAT1):c.8995A>G (p.Thr2999Ala)

Genes: FAT1 (FAT atypical cadherin 1; minus strand), LOC126807255 (BRD4-independent group 4 enhancer GRCh37_chr4:187538202-187539401; plus strand). Cytogenetic location: 4q35.2.
Variant type: single nucleotide variant.
Coding change: c.8995A>G on transcript NM_005245.4 (MANE Select); coding-DNA position 8995, A replaced by G.
Protein change: p.Thr2999Ala; replaces threonine 2999 with alanine.
Molecular consequence: missense variant.
Genome position (GRCh38, 1-based): chr4:186,617,085, T>C on the plus strand (A>G on the coding strand, the complement: FAT1 is on the minus strand). VCF-style: chr4-186617085-T-C. GRCh37 (hg19) VCF-style: chr4-187538239-T-C.
Other names: short protein forms T2999A.
Identifiers: ClinVar variation 709739 (VCV000709739.10), dbSNP rs201960217, ClinGen allele CA3165767.
Genomic context (GRCh38, chr4:186,617,085, plus strand): 5'-TGTCATTTGCATCCAGAACTTTCACTTCAACTATCGCTTTTGATGAGAAGGTGCCATCAG[T>C]TGCCGTGATAGTAAGAAGGTAATTGTCCCTTTTTTCCCTGTCTAGAGGTTTCTTCACATA-3'
Protein context (NP_005236.2, residues 2989-3009): RDNYLLTITA[Thr2999Ala]DGTFSSKAIV